The following is an entry in ClinVar:

NM_000059.4(BRCA2):c.328C>A (p.Pro110Thr)

Gene: BRCA2 (BRCA2 DNA repair associated; plus strand). Cytogenetic location: 13q13.1.
Variant type: single nucleotide variant.
Coding change: c.328C>A on transcript NM_000059.4 (MANE Select); coding-DNA position 328, C replaced by A.
Protein change: p.Pro110Thr; replaces proline 110 with threonine.
Molecular consequence: missense variant.
Genome position (GRCh38, 1-based): chr13:32,325,087, C>A. VCF-style: chr13-32325087-C-A. GRCh37 (hg19) VCF-style: chr13-32899224-C-A.
Other names: short protein forms P110T.
Identifiers: ClinVar variation 531253 (VCV000531253.14), dbSNP rs1555280838, ClinGen allele CA387756520.
Genomic context (GRCh38, chr13:32,325,087, plus strand): 5'-TTATAATCCAGAGTATATACATTCTCACTGAATTATTGTACTGTTTCAGGAAGGAATGTT[C>A]CCAATAGTAGACATAAAAGTCTTCGCACAGTGAAAACTAAAATGGATCAAGCAGATGATG-3'
Protein context (NP_000050.3, residues 100-120): KFKLDLGRNV[Pro110Thr]NSRHKSLRTV

ClinVar aggregate classification (germline): Conflicting classifications of pathogenicity. Review status: criteria provided, conflicting classifications (1 of 4 stars). 3 submissions from 3 submitters: Uncertain significance (2); Likely benign (1). Last evaluated 2024-11-06.

Conditions:
Hereditary cancer-predisposing syndrome. Also called: Hereditary neoplastic syndrome; Neoplastic Syndromes, Hereditary; Tumor predisposition; Hereditary Cancer Syndrome. Identifiers: Orphanet 140162, MedGen C0027672, MeSH D009386, MONDO:0015356.
Hereditary breast ovarian cancer syndrome. Also called: Hereditary breast and ovarian cancer syndrome (HBOC); BRCA1- and BRCA2-Associated Hereditary Breast and Ovarian Cancer; Hereditary breast and ovarian cancer syndrome; Breast and ovarian cancer; Hereditary breast and ovarian cancer; Hereditary breast and/or ovarian cancer syndrome. Identifiers: Orphanet 145, MedGen C0677776, MeSH D061325, MONDO:0003582. Disease mechanism: loss of function.

gnomAD v4.1: 1 of 1,586,796 alleles (0.000063%); highest among the groups gnomAD compares: African/African-American, 0.0013%; no homozygotes.

Submissions (3):

Labcorp Genetics (formerly Invitae), Labcorp
Classification: Uncertain significance for Hereditary breast ovarian cancer syndrome. Last evaluated: 2024-11-06. Review status: criteria provided, single submitter. Criteria: Invitae Variant Classification Sherloc (09022015). Collection method: clinical testing. Allele origin: germline.
Comment: This sequence change replaces proline, which is neutral and non-polar, with threonine, which is neutral and polar, at codon 110 of the BRCA2 protein (p.Pro110Thr). This variant is not present in population databases (gnomAD no frequency). This variant has not been reported in the literature in individuals affected with BRCA2-related conditions. ClinVar contains an entry for this variant (Variation ID: 531253). Invitae Evidence Modeling of protein sequence and biophysical properties (such as structural, functional, and spatial information, amino acid conservation, physicochemical variation, residue mobility, and thermodynamic stability) indicates that this missense variant is not expected to disrupt BRCA2 protein function with a negative predictive value of 95%. In summary, the available evidence is currently insufficient to determine the role of this variant in disease. Therefore, it has been classified as a Variant of Uncertain Significance.

GeneDx
Classification: Uncertain significance. Last evaluated: 2024-03-20. Review status: criteria provided, single submitter. Criteria: GeneDx Variant Classification Process June 2021. Collection method: clinical testing. Allele origin: germline. Affected: yes.
Comment: Not observed at significant frequency in large population cohorts (gnomAD); In silico analysis supports that this missense variant does not alter protein structure/function; Has not been previously published as pathogenic or benign to our knowledge; Also known as 556C>A; This variant is associated with the following publications: (PMID: 36922933)

Ambry Genetics
Classification: Likely benign for Hereditary cancer-predisposing syndrome. Last evaluated: 2018-10-03. Review status: criteria provided, single submitter. Criteria: Ambry Variant Classification Scheme 2023. Collection method: clinical testing. Allele origin: germline.